The following is an entry in ClinVar:

NM_020708.5(SLC12A5):c.3143G>A (p.Arg1048Gln)

Gene: SLC12A5 (solute carrier family 12 member 5; plus strand). Cytogenetic location: 20q13.12.
Variant type: single nucleotide variant.
Coding change: c.3143G>A on transcript NM_020708.5 (MANE Select); coding-DNA position 3143, G replaced by A.
Protein change: p.Arg1048Gln; replaces arginine 1048 with glutamine.
Molecular consequence: missense variant.
Genome position (GRCh38, 1-based): chr20:46,057,187, G>A. VCF-style: chr20-46057187-G-A. GRCh37 (hg19) VCF-style: chr20-44685826-G-A.
Other names: c.3212G>A, p.Arg1071Gln (NM_001134771.2); short protein forms R1071Q, R1048Q.
Identifiers: ClinVar variation 1042764 (VCV001042764.9), dbSNP rs1291356001, ClinGen allele CA409209328.

ClinVar aggregate classification (germline): Uncertain significance (1 of 4 stars; one submission).

Conditions:
Developmental and epileptic encephalopathy, 34 (DEE34). Also called: SLC12A5-Related Epilepsy of Infancy with Migrating Focal Seizures; Early infantile epileptic encephalopathy 34. Identifiers: Orphanet 293181, MedGen C4225257, MONDO:0014718, OMIM 616645.

Allele frequency attached by ClinVar (database versions not stated): gnomAD exomes below 0.00001; TOPMed below 0.00001; gnomAD 0.00001.
gnomAD v4.1: 3 of 1,614,058 alleles (0.00019%); highest among the groups gnomAD compares: Middle Eastern, 0.016%; no homozygotes.

Submission:

Labcorp Genetics (formerly Invitae), Labcorp
Classification: Uncertain significance for Developmental and epileptic encephalopathy, 34. Last evaluated: 2022-02-20. Review status: criteria provided, single submitter. Criteria: Invitae Variant Classification Sherloc (09022015). Collection method: clinical testing. Allele origin: germline.
Comment: This sequence change replaces arginine, which is basic and polar, with glutamine, which is neutral and polar, at codon 1048 of the SLC12A5 protein (p.Arg1048Gln). This variant is not present in population databases (gnomAD no frequency). This variant has not been reported in the literature in individuals affected with SLC12A5-related conditions. ClinVar contains an entry for this variant (Variation ID: 1042764). Advanced modeling of protein sequence and biophysical properties (such as structural, functional, and spatial information, amino acid conservation, physicochemical variation, residue mobility, and thermodynamic stability) performed at Invitae indicates that this missense variant is expected to disrupt SLC12A5 protein function. In summary, the available evidence is currently insufficient to determine the role of this variant in disease. Therefore, it has been classified as a Variant of Uncertain Significance.